The following is an entry in ClinVar:

NM_001101648.2(NPC1L1):c.846G>A (p.Pro282=)

Gene: NPC1L1 (NPC1 like intracellular cholesterol transporter 1; minus strand). Cytogenetic location: 7p13.
Variant type: single nucleotide variant.
Coding change: c.846G>A on transcript NM_001101648.2 (MANE Select); coding-DNA position 846, G replaced by A.
Protein change: p.Pro282=; no amino-acid change (proline 282 retained).
Molecular consequence: synonymous variant.
Genome position (GRCh38, 1-based): chr7:44,539,551, C>T on the plus strand (G>A on the coding strand, the complement: NPC1L1 is on the minus strand). VCF-style: chr7-44539551-C-T. GRCh37 (hg19) VCF-style: chr7-44579150-C-T.
Other names: c.846G>A, p.Pro282= (NM_001300967.2, NM_013389.3).
Identifiers: ClinVar variation 3053453 (VCV003053453.2), dbSNP rs372913370, ClinGen allele CA4242343.

ClinVar aggregate classification (germline): Likely benign (0 of 4 stars; one submission).

Conditions:
NPC1L1-related disorder. Also called: NPC1L1-related condition.

Allele frequency attached by ClinVar (database versions not stated): ExAC 0.00004; gnomAD 0.00007; TOPMed 0.00007; ESP Exome Variant Server 0.00015.
gnomAD v4.1: 114 of 1,613,898 alleles (0.0071%); highest among the groups gnomAD compares: South Asian, 0.0088%; no homozygotes.

Submission:

PreventionGenetics, part of Exact Sciences
Classification: Likely benign for NPC1L1-related condition. Last evaluated: 2019-08-20. Review status: no assertion criteria provided. Collection method: clinical testing. Allele origin: germline.
Comment: This variant is classified as likely benign based on ACMG/AMP sequence variant interpretation guidelines (Richards et al. 2015 PMID: 25741868, with internal and published modifications).